The following is an entry in ClinVar:

ClinVar aggregate classification (germline): Likely pathogenic (1 of 4 stars; one submission).

Conditions:
Generalized epilepsy with febrile seizures plus, type 7 (GEFSP7). Also called: GEFS+, TYPE 7. Identifiers: Orphanet 36387, MedGen C2751778, MONDO:0013470, OMIM 613863.
Neuropathy, hereditary sensory and autonomic, type 2A (HSAN2A). Also called: MORVAN DISEASE; NEUROPATHY, CONGENITAL SENSORY; NEUROPATHY, HEREDITARY SENSORY RADICULAR, AUTOSOMAL RECESSIVE; NEUROPATHY, HEREDITARY SENSORY, TYPE IIA; NEUROPATHY, PROGRESSIVE SENSORY, OF CHILDREN; WNK1-Related HSAN2 (HSAN2A). Identifiers: Orphanet 970, MedGen C2752089, MONDO:0024309, OMIM 201300.

Submission:

Labcorp Genetics (formerly Invitae), Labcorp
Classification: Likely pathogenic for Neuropathy, hereditary sensory and autonomic, type 2A; Generalized epilepsy with febrile seizures plus, type 7. Last evaluated: 2024-01-15. Review status: criteria provided, single submitter. Criteria: Invitae Variant Classification Sherloc (09022015). Collection method: clinical testing. Allele origin: germline.
Comment: This sequence change affects a donor splice site in intron 5 of the SCN9A gene. It is expected to disrupt RNA splicing. Variants that disrupt the donor or acceptor splice site typically lead to a loss of protein function (PMID: 16199547), and loss-of-function variants in SCN9A are known to be pathogenic (PMID: 17470132, 19304393). This variant is not present in population databases (gnomAD no frequency). This variant has not been reported in the literature in individuals affected with SCN9A-related conditions. ClinVar contains an entry for this variant (Variation ID: 1067284). Algorithms developed to predict the effect of sequence changes on RNA splicing suggest that this variant may disrupt the consensus splice site. In summary, the currently available evidence indicates that the variant is pathogenic, but additional data are needed to prove that conclusively. Therefore, this variant has been classified as Likely Pathogenic.

Literature cited by the submitters: PubMed 16199547; PubMed 17470132; PubMed 19304393.

NM_001365536.1(SCN9A):c.596+1G>T

Gene: SCN9A (sodium voltage-gated channel alpha subunit 9; minus strand). Cytogenetic location: 2q24.3.
Variant type: single nucleotide variant.
Coding change: c.596+1G>T on transcript NM_001365536.1 (MANE Select); the canonical splice donor site of the intron after coding-DNA position 596, G replaced by T.
Molecular consequence: splice donor variant.
Genome position (GRCh38, 1-based): chr2:166,305,791, C>A on the plus strand (G>T on the coding strand, the complement: SCN9A is on the minus strand). VCF-style: chr2-166305791-C-A. GRCh37 (hg19) VCF-style: chr2-167162301-C-A.
Other names: c.596+1G>T (NM_002977.4).
Identifiers: ClinVar variation 1067284 (VCV001067284.7), dbSNP rs201560701, ClinGen allele CA349094840.
Genomic context (GRCh38, chr2:166,305,791, plus strand): 5'-GAACACTGTGCTGCCTGAGATTTTCATAAATTTGCCGTTTCAAAAAGCTGAAAGTACTTA[C>A]GCAAAAACAATGACGACAAAATCCAGCCAGTTCCACGGGTCACGAAGAAAAGTGAATTCT-3'